The following is an entry in ClinVar:

NM_080680.3(COL11A2):c.2998G>A (p.Gly1000Ser)

Gene: COL11A2 (collagen type XI alpha 2 chain; minus strand). Cytogenetic location: 6p21.32.
Variant type: single nucleotide variant.
Coding change: c.2998G>A on transcript NM_080680.3 (MANE Select); coding-DNA position 2998, G replaced by A.
Protein change: p.Gly1000Ser; replaces glycine 1000 with serine.
Molecular consequence: missense variant.
Genome position (GRCh38, 1-based): chr6:33,172,094, C>T on the plus strand (G>A on the coding strand, the complement: COL11A2 is on the minus strand). VCF-style: chr6-33172094-C-T. GRCh37 (hg19) VCF-style: chr6-33139871-C-T.
Other names: c.2152G>A, p.Gly718Ser (NM_001424109.1); c.1972G>A, p.Gly658Ser (NM_001424110.1, NM_001424111.1); c.952G>A, p.Gly318Ser (NM_001424112.1); c.2677G>A, p.Gly893Ser (NM_080679.3); c.2740G>A, p.Gly914Ser (NM_080681.3); c.2818G>A, p.Gly940Ser (NM_001424108.1); short protein forms G1000S, G658S, G718S, G318S, G914S, G940S, G893S.
Identifiers: ClinVar variation 2894461 (VCV002894461.3), dbSNP rs746139057, ClinGen allele CA3750671.

ClinVar aggregate classification (germline): Uncertain significance (1 of 4 stars; one submission).

Allele frequency attached by ClinVar (database versions not stated): gnomAD exomes below 0.00001; ExAC 0.00001; gnomAD 0.00001; TOPMed 0.00001.
gnomAD v4.1: 3 of 1,612,858 alleles (0.00019%); highest among the groups gnomAD compares: Non-Finnish European, 0.00025%; no homozygotes.

Submission:

Labcorp Genetics (formerly Invitae), Labcorp
Classification: Uncertain significance. Last evaluated: 2024-03-28. Review status: criteria provided, single submitter. Criteria: Invitae Variant Classification Sherloc (09022015). Collection method: clinical testing. Allele origin: germline.
Comment: This sequence change replaces glycine, which is neutral and non-polar, with serine, which is neutral and polar, at codon 1000 of the COL11A2 protein (p.Gly1000Ser). This variant is present in population databases (rs746139057, gnomAD 0.0009%). This variant has not been reported in the literature in individuals affected with COL11A2-related conditions. Advanced modeling of protein sequence and biophysical properties (such as structural, functional, and spatial information, amino acid conservation, physicochemical variation, residue mobility, and thermodynamic stability) performed at Invitae indicates that this missense variant is expected to disrupt COL11A2 protein function with a positive predictive value of 95%. Algorithms developed to predict the effect of sequence changes on RNA splicing suggest that this variant may disrupt the consensus splice site. In summary, the available evidence is currently insufficient to determine the role of this variant in disease. Therefore, it has been classified as a Variant of Uncertain Significance.